The following is an entry in ClinVar:

ClinVar aggregate classification (germline): Uncertain significance (1 of 4 stars; one submission).

Conditions:
Intellectual disability-microcephaly-strabismus-behavioral abnormalities syndrome. Also called: White-Sutton Syndrome. Identifiers: Orphanet 468678, MedGen C4225351, MONDO:0014606, OMIM 616364.

Submission:

3billion
Classification: Uncertain significance for Intellectual disability-microcephaly-strabismus-behavioral abnormalities syndrome. Last evaluated: 2026-01-19. Review status: criteria provided, single submitter. Criteria: ACMG Guidelines, 2015. Collection method: clinical testing. Allele origin: germline. Affected: yes.
Comment: The variant is not observed in the gnomAD v4.1.0 dataset. Predicted Consequence/Location: Missense variant. Missense changes are a common disease-causing mechanism. A different missense change at the same codon (p.Glu1016Asp) has been reported to be associated with POGZ-related disorder (ClinVar ID: VCV000996684). However the evidence of pathogenicity is insufficient at this time. Therefore, this variant is classified as VUS according to the recommendation of ACMG/AMP guideline.

NM_015100.4(POGZ):c.3046G>A (p.Glu1016Lys)

Gene: POGZ (pogo transposable element derived with ZNF domain; minus strand). Cytogenetic location: 1q21.3.
Variant type: single nucleotide variant.
Coding change: c.3046G>A on transcript NM_015100.4 (MANE Select); coding-DNA position 3046, G replaced by A.
Protein change: p.Glu1016Lys; replaces glutamic acid 1016 with lysine.
Molecular consequence: missense variant.
Genome position (GRCh38, 1-based): chr1:151,405,989, C>T on the plus strand (G>A on the coding strand, the complement: POGZ is on the minus strand). VCF-style: chr1-151405989-C-T. GRCh37 (hg19) VCF-style: chr1-151378465-C-T.
Other names: c.3019G>A, p.Glu1007Lys (NM_001194937.2); c.2860G>A, p.Glu954Lys (NM_001194938.2); c.3067G>A, p.Glu1023Lys (NM_001410860.1); c.2761G>A, p.Glu921Lys (NM_145796.4); c.2887G>A, p.Glu963Lys (NM_207171.2); short protein forms E1007K, E1016K, E1023K, E921K, E954K, E963K.
Identifiers: ClinVar variation 4856183 (VCV004856183.1).